The following is an entry in ClinVar:

ClinVar aggregate classification (germline): Uncertain significance (1 of 4 stars; one submission).

Conditions:
Predisposition to invasive fungal disease due to CARD9 deficiency (IMD103). Also called: CARD9 IMMUNODEFICIENCY; IMMUNODEFICIENCY 103, SUSCEPTIBILITY TO FUNGAL INFECTIONS; Candidiasis, familial, 2, autosomal recessive. Identifiers: Orphanet 457088, MedGen C1859353, MONDO:0008905, OMIM 212050.

Allele frequency attached by ClinVar (database versions not stated): gnomAD 0.00002; ExAC 0.00003; TOPMed 0.00003; gnomAD exomes 0.00004.

Submission:

Labcorp Genetics (formerly Invitae), Labcorp
Classification: Uncertain significance for Predisposition to invasive fungal disease due to CARD9 deficiency. Last evaluated: 2022-01-21. Review status: criteria provided, single submitter. Criteria: Invitae Variant Classification Sherloc (09022015). Collection method: clinical testing. Allele origin: germline.
Comment: This sequence change replaces valine, which is neutral and non-polar, with isoleucine, which is neutral and non-polar, at codon 268 of the CARD9 protein (p.Val268Ile). This variant is present in population databases (rs200709047, gnomAD 0.009%). This variant has not been reported in the literature in individuals affected with CARD9-related conditions. Algorithms developed to predict the effect of missense changes on protein structure and function output the following: SIFT: "Tolerated"; PolyPhen-2: "Benign"; Align-GVGD: "Class C0". The isoleucine amino acid residue is found in multiple mammalian species, which suggests that this missense change does not adversely affect protein function. In summary, the available evidence is currently insufficient to determine the role of this variant in disease. Therefore, it has been classified as a Variant of Uncertain Significance.

NM_052813.5(CARD9):c.802G>A (p.Val268Ile)

Gene: CARD9 (caspase recruitment domain family member 9; minus strand). Cytogenetic location: 9q34.3.
Variant type: single nucleotide variant.
Coding change: c.802G>A on transcript NM_052813.5 (MANE Select); coding-DNA position 802, G replaced by A.
Protein change: p.Val268Ile; replaces valine 268 with isoleucine.
Molecular consequence: missense variant.
Genome position (GRCh38, 1-based): chr9:136,370,527, C>T on the plus strand (G>A on the coding strand, the complement: CARD9 is on the minus strand). VCF-style: chr9-136370527-C-T. GRCh37 (hg19) VCF-style: chr9-139264979-C-T.
Other names: c.802G>A, p.Val268Ile (NM_052814.4); short protein forms V268I.
Identifiers: ClinVar variation 2136996 (VCV002136996.1), dbSNP rs200709047, ClinGen allele CA5332983.